The following is an entry in ClinVar:

ClinVar aggregate classification (germline): Uncertain significance (1 of 4 stars; one submission).

Conditions:
Epileptic encephalopathy. Identifiers: MedGen C0543888, HP:0200134.

Submission:

Labcorp Genetics (formerly Invitae), Labcorp
Classification: Uncertain significance for Epileptic encephalopathy. Last evaluated: 2024-10-08. Review status: criteria provided, single submitter. Criteria: Invitae Variant Classification Sherloc (09022015). Collection method: clinical testing. Allele origin: germline.
Comment: This sequence change replaces alanine, which is neutral and non-polar, with threonine, which is neutral and polar, at codon 1655 of the FASN protein (p.Ala1655Thr). This variant is not present in population databases (gnomAD no frequency). This variant has not been reported in the literature in individuals affected with FASN-related conditions. An algorithm developed to predict the effect of missense changes on protein structure and function (PolyPhen-2) suggests that this variant is likely to be disruptive. In summary, the available evidence is currently insufficient to determine the role of this variant in disease. Therefore, it has been classified as a Variant of Uncertain Significance.

NM_004104.5(FASN):c.4963G>A (p.Ala1655Thr)

Gene: FASN (fatty acid synthase; minus strand). Cytogenetic location: 17q25.3.
Variant type: single nucleotide variant.
Coding change: c.4963G>A on transcript NM_004104.5 (MANE Select); coding-DNA position 4963, G replaced by A.
Protein change: p.Ala1655Thr; replaces alanine 1655 with threonine.
Molecular consequence: missense variant.
Genome position (GRCh38, 1-based): chr17:82,084,110, C>T on the plus strand (G>A on the coding strand, the complement: FASN is on the minus strand). VCF-style: chr17-82084110-C-T. GRCh37 (hg19) VCF-style: chr17-80041986-C-T.
Other names: short protein forms A1655T.
Identifiers: ClinVar variation 3633654 (VCV003633654.2).
Genomic context (GRCh38, chr17:82,084,110, plus strand): 5'-AGTGGATGAGCAGCGTCTCCCCGGGGCGCACCCGCCCACGCACCACCAGCGCGTAGTAGG[C>T]CGTGCTGTAGACGACAGGCACCGAGGCCGCCTCCTCCAGCGTCCTGGGGATGCAGCAGGT-3'
Protein context (NP_004095.4, residues 1645-1665): AASVPVVYST[Ala1655Thr]YYALVVRGRV